The following is an entry in ClinVar:

NM_005591.4(MRE11):c.1714C>G (p.Arg572Gly)

Gene: MRE11 (MRE11 double strand break repair nuclease; minus strand). Cytogenetic location: 11q21.
Variant type: single nucleotide variant.
Coding change: c.1714C>G on transcript NM_005591.4 (MANE Select); coding-DNA position 1714, C replaced by G.
Protein change: p.Arg572Gly; replaces arginine 572 with glycine.
Molecular consequence: missense variant.
Genome position (GRCh38, 1-based): chr11:94,447,288, G>C on the plus strand (C>G on the coding strand, the complement: MRE11 is on the minus strand). VCF-style: chr11-94447288-G-C. GRCh37 (hg19) VCF-style: chr11-94180454-G-C.
Other names: c.1714C>G, p.Arg572Gly (NM_001330347.2, NM_005590.4); short protein forms R572G.
Identifiers: ClinVar variation 1800229 (VCV001800229.2), dbSNP rs137852761, ClinGen allele CA382368270.

ClinVar aggregate classification (germline): Uncertain significance (1 of 4 stars; one submission).

Conditions:
Hereditary cancer-predisposing syndrome. Also called: Neoplastic Syndromes, Hereditary; Tumor predisposition; Hereditary Cancer Syndrome; Hereditary neoplastic syndrome. Identifiers: Orphanet 140162, MedGen C0027672, MeSH D009386, MONDO:0015356.

gnomAD v4.1: 2 of 1,613,682 alleles (0.00012%); highest among the groups gnomAD compares: Middle Eastern, 0.017%; no homozygotes.

Submission:

Ambry Genetics
Classification: Uncertain significance for Hereditary cancer-predisposing syndrome. Last evaluated: 2020-03-17. Review status: criteria provided, single submitter. Criteria: Ambry Variant Classification Scheme 2023. Collection method: clinical testing. Allele origin: germline.
Comment: The p.R572G variant (also known as c.1714C>G), located in coding exon 14 of the MRE11A gene, results from a C to G substitution at nucleotide position 1714. The arginine at codon 572 is replaced by glycine, an amino acid with dissimilar properties. This amino acid position is highly conserved in available vertebrate species. In addition, the in silico prediction for this alteration is inconclusive. Since supporting evidence is limited at this time, the clinical significance of this alteration remains unclear.